The following is an entry in ClinVar:

ClinVar aggregate classification (germline): Uncertain significance. Review status: criteria provided, multiple submitters, no conflicts (2 of 4 stars). 2 submissions from 2 submitters: Uncertain significance (2). Last evaluated 2022-05-27.

Allele frequency attached by ClinVar (database versions not stated): TOPMed 0.00002.
gnomAD v4.1: 16 of 1,613,864 alleles (0.00099%); highest among the groups gnomAD compares: Non-Finnish European, 0.0013%; no homozygotes.

Submissions (2):

Labcorp Genetics (formerly Invitae), Labcorp
Classification: Uncertain significance. Last evaluated: 2022-05-27. Review status: criteria provided, single submitter. Criteria: Invitae Variant Classification Sherloc (09022015). Collection method: clinical testing. Allele origin: germline.
Comment: This sequence change replaces leucine, which is neutral and non-polar, with methionine, which is neutral and non-polar, at codon 455 of the ABCA4 protein (p.Leu455Met). This variant is present in population databases (rs764170051, gnomAD 0.004%). This missense change has been observed in individual(s) with clinical features of ABCA4-related conditions (PMID: 25346251). ClinVar contains an entry for this variant (Variation ID: 1051960). Algorithms developed to predict the effect of missense changes on protein structure and function are either unavailable or do not agree on the potential impact of this missense change (SIFT: "Deleterious"; PolyPhen-2: "Benign"; Align-GVGD: "Class C0"). This variant disrupts the p.Leu455 amino acid residue in ABCA4. Other variant(s) that disrupt this residue have been determined to be pathogenic (PMID: 30093795, 32619608, 34327195). This suggests that this residue is clinically significant, and that variants that disrupt this residue are likely to be disease-causing. In summary, the available evidence is currently insufficient to determine the role of this variant in disease. Therefore, it has been classified as a Variant of Uncertain Significance.

GeneDx
Classification: Uncertain significance. Last evaluated: 2019-03-22. Review status: criteria provided, single submitter. Criteria: GeneDx Variant Classification Process June 2021. Collection method: clinical testing. Allele origin: germline. Affected: yes.
Comment: Not observed at a significant frequency in large population cohorts (Lek et al., 2016; McVean et al., 2012; Exome Variant Server); In silico analysis, which includes protein predictors and evolutionary conservation, supports that this variant does not alter protein structure/function; Reported as a single heterozygous variant in an individual with retinitis pigmentosa without an additional ABCA4 variant identified (Bauwens et al., 2015); This variant is associated with the following publications: (PMID: 25346251)

Literature cited by the submitters: PubMed 25346251 (cited by Labcorp Genetics (formerly Invitae), Labcorp); PubMed 30093795 (cited by Labcorp Genetics (formerly Invitae), Labcorp); PubMed 32619608 (cited by Labcorp Genetics (formerly Invitae), Labcorp); PubMed 34327195 (cited by Labcorp Genetics (formerly Invitae), Labcorp).

NM_000350.3(ABCA4):c.1363C>A (p.Leu455Met)

Gene: ABCA4 (ATP binding cassette subfamily A member 4; minus strand). Cytogenetic location: 1p22.1.
Variant type: single nucleotide variant.
Coding change: c.1363C>A on transcript NM_000350.3 (MANE Select); coding-DNA position 1363, C replaced by A.
Protein change: p.Leu455Met; replaces leucine 455 with methionine.
Molecular consequence: missense variant.
Genome position (GRCh38, 1-based): chr1:94,077,881, G>T on the plus strand (C>A on the coding strand, the complement: ABCA4 is on the minus strand). VCF-style: chr1-94077881-G-T. GRCh37 (hg19) VCF-style: chr1-94543437-G-T.
Other names: c.1363C>A, p.Leu455Met (NM_001425324.1); short protein forms L455M.
Identifiers: ClinVar variation 1051960 (VCV001051960.7), dbSNP rs764170051, ClinGen allele CA958536.